The following is an entry in ClinVar:

ClinVar aggregate classification (germline): Uncertain significance. Review status: criteria provided, multiple submitters, no conflicts (2 of 4 stars). 2 submissions from 2 submitters: Uncertain significance (2). Last evaluated 2026-03-29.

Conditions:
Early Myoclonic Encephalopathy. Identifiers: MedGen C0270855.

Allele frequency attached by ClinVar (database versions not stated): TOPMed 0.00001; gnomAD exomes 0.00001 and 0.00002; ExAC 0.00002.
gnomAD v4.1: 7 of 1,575,138 alleles (0.00044%); highest among the groups gnomAD compares: Admixed American, 0.0067%; no homozygotes.

Submissions (2):

Dasa
Classification: Uncertain significance. Last evaluated: 2026-03-29. Review status: criteria provided, single submitter. Criteria: DASA Assertion Criteria. Collection method: clinical testing. Allele origin: germline.
Comment: NM_012281.3(KCND2):c.1374+3A>G is a splice-region variant. This variant is rare in population databases. Computational prediction algorithms are consistent with a deleterious effect. The currently available literature and clinical evidence are not sufficient to establish a definitive association between this variant and the reported condition. Therefore, this variant is classified as a variant of uncertain significance.

Labcorp Genetics (formerly Invitae), Labcorp
Classification: Uncertain significance for Early Myoclonic Encephalopathy. Last evaluated: 2025-08-03. Review status: criteria provided, single submitter. Criteria: Invitae Variant Classification Sherloc (09022015). Collection method: clinical testing. Allele origin: germline.
Comment: This sequence change falls in intron 3 of the KCND2 gene. It does not directly change the encoded amino acid sequence of the KCND2 protein. It affects a nucleotide within the consensus splice site. This variant is present in population databases (rs771924385, gnomAD 0.009%). This variant has not been reported in the literature in individuals affected with KCND2-related conditions. ClinVar contains an entry for this variant (Variation ID: 1404421). Variants that disrupt the consensus splice site are a relatively common cause of aberrant splicing (PMID: 17576681, 9536098). Algorithms developed to predict the effect of sequence changes on RNA splicing suggest that this variant is not likely to affect RNA splicing. In summary, the available evidence is currently insufficient to determine the role of this variant in disease. Therefore, it has been classified as a Variant of Uncertain Significance.

Literature cited by the submitters: PubMed 17576681 (cited by Labcorp Genetics (formerly Invitae), Labcorp); PubMed 9536098 (cited by Labcorp Genetics (formerly Invitae), Labcorp).

NM_012281.3(KCND2):c.1374+3A>G

Gene: KCND2 (potassium voltage-gated channel subfamily D member 2; plus strand). Cytogenetic location: 7q31.31.
Variant type: single nucleotide variant.
Coding change: c.1374+3A>G on transcript NM_012281.3 (MANE Select); 3 bases into the intron after coding-DNA position 1374, A replaced by G.
Molecular consequence: intron variant.
Genome position (GRCh38, 1-based): chr7:120,741,632, A>G. VCF-style: chr7-120741632-A-G. GRCh37 (hg19) VCF-style: chr7-120381686-A-G.
Identifiers: ClinVar variation 1404421 (VCV001404421.8), dbSNP rs771924385, ClinGen allele CA4453655.
Genomic context (GRCh38, chr7:120,741,632, plus strand): 5'-AAGCGCAAATGCTTACATGCAGAGCAAACGGAATGGTTTACTCAGTAATCAGCTGCAGGT[A>G]CAATCAATTACATCTCTTTTTTTAATGTTCAATTTCTTGGTTTAATATTGATTTAGTTCT-3'